The following is an entry in ClinVar:

ClinVar aggregate classification (germline): Uncertain significance (1 of 4 stars; one submission).

Submission:

Labcorp Genetics (formerly Invitae), Labcorp
Classification: Uncertain significance. Last evaluated: 2021-11-11. Review status: criteria provided, single submitter. Criteria: Invitae Variant Classification Sherloc (09022015). Collection method: clinical testing. Allele origin: germline.
Comment: In summary, the available evidence is currently insufficient to determine the role of this variant in disease. Therefore, it has been classified as a Variant of Uncertain Significance. This variant disrupts the p.Lys273 amino acid residue in EIF2B2. Other variant(s) that disrupt this residue have been observed in individuals with EIF2B2-related conditions (PMID: 11704758, 22992991), which suggests that this may be a clinically significant amino acid residue. Algorithms developed to predict the effect of missense changes on protein structure and function are either unavailable or do not agree on the potential impact of this missense change (SIFT: "Deleterious"; PolyPhen-2: "Probably Damaging"; Align-GVGD: "Class C0"). This variant has not been reported in the literature in individuals affected with EIF2B2-related conditions. This variant is not present in population databases (gnomAD no frequency). This sequence change replaces lysine, which is basic and polar, with isoleucine, which is neutral and non-polar, at codon 273 of the EIF2B2 protein (p.Lys273Ile).

Literature cited by the submitters: PubMed 11704758; PubMed 22992991.

NM_014239.4(EIF2B2):c.818A>T (p.Lys273Ile)

Gene: EIF2B2 (eukaryotic translation initiation factor 2B subunit beta; plus strand). Cytogenetic location: 14q24.3.
Variant type: single nucleotide variant.
Coding change: c.818A>T on transcript NM_014239.4 (MANE Select); coding-DNA position 818, A replaced by T.
Protein change: p.Lys273Ile; replaces lysine 273 with isoleucine.
Molecular consequence: missense variant.
Genome position (GRCh38, 1-based): chr14:75,006,701, A>T. VCF-style: chr14-75006701-A-T. GRCh37 (hg19) VCF-style: chr14-75473404-A-T.
Other names: short protein forms K273I.
Identifiers: ClinVar variation 1414727 (VCV001414727.6), dbSNP rs113994016, ClinGen allele CA390429104.